The following is an entry in ClinVar:

NM_007294.4(BRCA1):c.839C>A (p.Ala280Asp)

Gene: BRCA1 (BRCA1 DNA repair associated; minus strand). Cytogenetic location: 17q21.31.
Variant type: single nucleotide variant.
Coding change: c.839C>A on transcript NM_007294.4 (MANE Select); coding-DNA position 839, C replaced by A.
Protein change: p.Ala280Asp; replaces alanine 280 with aspartic acid.
Molecular consequence: missense variant. On other transcripts: 5 prime UTR variant (2), intron variant (137).
Genome position (GRCh38, 1-based): chr17:43,094,692, G>T on the plus strand (C>A on the coding strand, the complement: BRCA1 is on the minus strand). VCF-style: chr17-43094692-G-T. GRCh37 (hg19) VCF-style: chr17-41246709-G-T.
Other names: c.626C>A, p.Ala209Asp (NM_001407571.1, NM_001407853.1, NM_001407894.1 and 9 more transcripts); c.839C>A, p.Ala280Asp (NM_001407581.1, NM_001407582.1, NM_001407583.1 and 30 more transcripts); c.836C>A, p.Ala279Asp (NM_001407587.1, NM_001407590.1, NM_001407591.1 and 22 more transcripts); c.830C>A, p.Ala277Asp (NM_001407646.1, NM_001407647.1); c.716C>A, p.Ala239Asp (NM_001407648.1, NM_001407664.1, NM_001407665.1 and 19 more transcripts); c.713C>A, p.Ala238Asp (NM_001407649.1, NM_001407670.1, NM_001407671.1 and 11 more transcripts); c.761C>A, p.Ala254Asp (NM_001407653.1, NM_001407654.1, NM_001407655.1 and 4 more transcripts); c.758C>A, p.Ala253Asp (NM_001407659.1, NM_001407660.1, NM_001407661.1 and 1 more transcripts); and 40 more; short protein forms A280D, A233D, A209D, A232D, A239D, A253D, A112D, A152D.
Identifiers: ClinVar variation 842866 (VCV000842866.21), dbSNP rs80357199, ClinGen allele CA10600405.
Genomic context (GRCh38, chr17:43,094,692, plus strand): 5'-TCTACATTCATTCTGTCTTTAGTGAGTAATAAACTGCTGTTCTCATGCTGTAATGAGCTG[G>T]CATGAGTATTTGTGCCACATGGCTCCACATGCAAGTTTGAAACAGAACTACCCTGATACT-3'
Protein context (NP_009225.1, residues 270-290): HVEPCGTNTH[Ala280Asp]SSLQHENSSL

ClinVar aggregate classification (germline): Conflicting classifications of pathogenicity. Review status: criteria provided, conflicting classifications (1 of 4 stars). 2 submissions from 2 submitters: Uncertain significance (1); Likely benign (1). Last evaluated 2023-08-14.

Conditions:
Hereditary breast ovarian cancer syndrome. Also called: Breast and ovarian cancer; Hereditary breast and ovarian cancer syndrome; Hereditary breast and ovarian cancer syndrome (HBOC); BRCA1- and BRCA2-Associated Hereditary Breast and Ovarian Cancer; Hereditary breast and ovarian cancer; Hereditary breast and/or ovarian cancer syndrome. Identifiers: Orphanet 145, MedGen C0677776, MeSH D061325, MONDO:0003582. Disease mechanism: loss of function.
Hereditary cancer-predisposing syndrome. Also called: Hereditary Cancer Syndrome; Hereditary neoplastic syndrome; Tumor predisposition; Neoplastic Syndromes, Hereditary. Identifiers: Orphanet 140162, MedGen C0027672, MeSH D009386, MONDO:0015356.

Submissions (2):

Labcorp Genetics (formerly Invitae), Labcorp
Classification: Uncertain significance for Hereditary breast ovarian cancer syndrome. Last evaluated: 2023-08-14. Review status: criteria provided, single submitter. Criteria: Invitae Variant Classification Sherloc (09022015). Collection method: clinical testing. Allele origin: germline.
Comment: This sequence change replaces alanine, which is neutral and non-polar, with aspartic acid, which is acidic and polar, at codon 280 of the BRCA1 protein (p.Ala280Asp). This variant is not present in population databases (gnomAD no frequency). This variant has not been reported in the literature in individuals affected with BRCA1-related conditions. ClinVar contains an entry for this variant (Variation ID: 842866). Advanced modeling of protein sequence and biophysical properties (such as structural, functional, and spatial information, amino acid conservation, physicochemical variation, residue mobility, and thermodynamic stability) performed at Invitae indicates that this missense variant is not expected to disrupt BRCA1 protein function. In summary, the available evidence is currently insufficient to determine the role of this variant in disease. Therefore, it has been classified as a Variant of Uncertain Significance.

University of Washington Department of Laboratory Medicine, University of Washington
Classification: Likely benign for Hereditary cancer-predisposing syndrome. Last evaluated: 2023-03-23. Review status: criteria provided, single submitter. Criteria: Dines et al. (Genet Med. 2020). Collection method: curation. Allele origin: germline.
Comment: Missense variant in a coldspot region where missense variants are very unlikely to be pathogenic (PMID:31911673).

BRCA1 coldspot (exon 11 using historical exon numbering). Reclassification based on statistical prior probability